The following is an entry in ClinVar:

NM_000138.5(FBN1):c.5432A>G (p.Glu1811Gly)

Gene: FBN1 (fibrillin 1; minus strand). Cytogenetic location: 15q21.1.
Variant type: single nucleotide variant.
Coding change: c.5432A>G on transcript NM_000138.5 (MANE Select); coding-DNA position 5432, A replaced by G.
Protein change: p.Glu1811Gly; replaces glutamic acid 1811 with glycine.
Molecular consequence: missense variant.
Genome position (GRCh38, 1-based): chr15:48,452,675, T>C on the plus strand (A>G on the coding strand, the complement: FBN1 is on the minus strand). VCF-style: chr15-48452675-T-C. GRCh37 (hg19) VCF-style: chr15-48744872-T-C.
Other names: c.5432A>G (NM_000138.4); short protein forms E1811G.
Identifiers: ClinVar variation 1330727 (VCV001330727.17), dbSNP rs2141256116, ClinGen allele CA392344475.
Genomic context (GRCh38, chr15:48,452,675, plus strand): 5'-TAGCTGCCTGCAGTGTTGATGCATTCGGCGTTGCGCTGGCACACTGGGCCGTTCTGACAC[T>C]CGTCAATATCTACGAGCAGAAGAGAACTGAATTTGAAGGAGAACAGAATCTGGTGTCCAG-3'
Protein context (NP_000129.3, residues 1801-1821): DKLLVCEDID[Glu1811Gly]CQNGPVCQRN

ClinVar aggregate classification (germline): Conflicting classifications of pathogenicity. Review status: criteria provided, conflicting classifications (1 of 4 stars). 3 submissions from 3 submitters: Pathogenic (1); Uncertain significance (1). 1 of the submissions does not count toward it. Last evaluated 2024-12-28.

Conditions:
Marfan syndrome (MFS). Also called: Marfan syndrome type 1; Marfan's syndrome; FBN1-Related Marfan Syndrome; MARFAN SYNDROME, TYPE I; Marfan syndrome, classic. Identifiers: Orphanet 284963, Orphanet 558, MedGen C0024796, MONDO:0007947, OMIM 154700.
Familial thoracic aortic aneurysm and aortic dissection (TAAD). Also called: Thoracic aortic aneurysms and dissections. Identifiers: Orphanet 91387, MedGen C4707243, MONDO:0019625.
FBN1-related disorder. Also called: FBN1-related disorders.

Submissions (3):

Labcorp Genetics (formerly Invitae), Labcorp
Classification: Pathogenic for Marfan syndrome; Familial thoracic aortic aneurysm and aortic dissection. Last evaluated: 2024-12-28. Review status: criteria provided, single submitter. Criteria: Invitae Variant Classification Sherloc (09022015). Collection method: clinical testing. Allele origin: germline.
Comment: This sequence change replaces glutamic acid, which is acidic and polar, with glycine, which is neutral and non-polar, at codon 1811 of the FBN1 protein (p.Glu1811Gly). This variant is not present in population databases (gnomAD no frequency). This missense change has been observed in individual(s) with Marfan syndrome (internal data). It has also been observed to segregate with disease in related individuals. ClinVar contains an entry for this variant (Variation ID: 1330727). Invitae Evidence Modeling of protein sequence and biophysical properties (such as structural, functional, and spatial information, amino acid conservation, physicochemical variation, residue mobility, and thermodynamic stability) indicates that this missense variant is expected to disrupt FBN1 protein function with a positive predictive value of 95%. This variant disrupts the p.Glu1811 amino acid residue in FBN1. Other variant(s) that disrupt this residue have been determined to be pathogenic (PMID: 17627385, 17657824, 18435798, 23684891, 23744319). This suggests that this residue is clinically significant, and that variants that disrupt this residue are likely to be disease-causing. For these reasons, this variant has been classified as Pathogenic.

ARUP Laboratories, Molecular Genetics and Genomics, ARUP Laboratories
Classification: Uncertain significance. Last evaluated: 2020-10-31. Review status: criteria provided, single submitter. Criteria: ARUP Molecular Germline Variant Investigation Process 2021. Collection method: clinical testing. Allele origin: germline.
Comment: The FBN1 c.5432A>G; p.Glu1811Gly variant, to our knowledge, is not reported in the medical literature or gene-specific databases. This variant is also absent from general population databases (Exome Variant Server, Genome Aggregation Database), indicating it is not a common polymorphism. The glutamate at codon 1811 is highly conserved, and computational analyses predict that this variant is deleterious (REVEL: 0.961). Additionally, another amino acid substitution at this codon (p.Glu1811Lys) has been reported in individuals with Marfan syndrome and is considered disease-causing (Attanasio 2008, Comeglio 2007). However, given the lack of clinical and functional data, the significance of the p.Glu1811Gly variant is uncertain at this time. References: Attanasio M et al. FBN1 mutation screening of patients with Marfan syndrome and related disorders: detection of 46 novel FBN1 mutations. Clin Genet. 2008 Jul;74(1):39-46. Comeglio P et al. The importance of mutation detection in Marfan syndrome and Marfan-related disorders: report of 193 FBN1 mutations. Hum Mutat. 2007 Sep;28(9):928.

PreventionGenetics, part of Exact Sciences
Classification: Uncertain significance for FBN1-related condition. Last evaluated: 2023-12-29. Review status: no assertion criteria provided. Collection method: clinical testing. Allele origin: germline. Not counted in ClinVar's aggregate classification.
Comment: The FBN1 c.5432A>G variant is predicted to result in the amino acid substitution p.Glu1811Gly. To our knowledge, this variant has not been reported in the literature or in a large population database, indicating this variant is rare. A different nucleotide substitution affecting the same amino acid (p.Glu1811Lys) has been reported in multiple individuals with Marfan syndrome and Marfan-related disorders (Comeglio et al. 2007. PubMed ID: 17657824; Attanasio et al. 2008. PubMed ID: 18435798; Wolford et al. 2019. PubMed ID: 31211624). Although we suspect that this variant may be pathogenic, at this time, the clinical significance of this variant is uncertain due to the absence of conclusive functional and genetic evidence.

Literature cited by the submitters: PubMed 17627385 (cited by Labcorp Genetics (formerly Invitae), Labcorp); PubMed 17657824 (cited by Labcorp Genetics (formerly Invitae), Labcorp); PubMed 18435798 (cited by Labcorp Genetics (formerly Invitae), Labcorp); PubMed 23684891 (cited by Labcorp Genetics (formerly Invitae), Labcorp); PubMed 23744319 (cited by Labcorp Genetics (formerly Invitae), Labcorp).